The following is an entry in ClinVar:

ClinVar aggregate classification (germline): Uncertain significance. Review status: criteria provided, multiple submitters, no conflicts (2 of 4 stars). 4 submissions from 3 submitters: Uncertain significance (4). Last evaluated 2024-01-30.

Conditions:
Peroxisome biogenesis disorder 9B. Also called: PEX7-Related Refsum Disease; Refsum disease, adult, 2; PEROXISOME BIOGENESIS DISORDER, PEX7-RELATED, ATYPICAL. Identifiers: Orphanet 773, MedGen C2749346, MONDO:0013945, OMIM 614879.
Rhizomelic chondrodysplasia punctata type 1 (RCDP1). Also called: PEROXISOME BIOGENESIS DISORDER 9; PEX7-Related Rhizomelic Chondrodysplasia Punctata; CHONDRODYSTROPHIA CALCIFICANS PUNCTATA. Identifiers: Orphanet 177, Orphanet 309789, MedGen C1859133, MONDO:0008972, OMIM 215100. Disease mechanism: loss of function.

gnomAD v4.1: 2 of 1,599,998 alleles (0.00013%); highest among the groups gnomAD compares: Non-Finnish European, 0.000085%; no homozygotes.

Submissions (4):

Blueprint Genetics
Classification: Uncertain significance. Last evaluated: 2024-01-30. Review status: criteria provided, single submitter. Criteria: ACMG Guidelines, 2015. Collection method: clinical testing. Allele origin: germline.

Labcorp Genetics (formerly Invitae), Labcorp
Classification: Uncertain significance for Peroxisome biogenesis disorder 9B. Last evaluated: 2022-04-12. Review status: criteria provided, single submitter. Criteria: Invitae Variant Classification Sherloc (09022015). Collection method: clinical testing. Allele origin: germline.
Comment: This sequence change replaces threonine, which is neutral and polar, with isoleucine, which is neutral and non-polar, at codon 266 of the PEX7 protein (p.Thr266Ile). This variant is present in population databases (no rsID available, gnomAD 0.01%). This variant has not been reported in the literature in individuals affected with PEX7-related conditions. ClinVar contains an entry for this variant (Variation ID: 904979). Algorithms developed to predict the effect of missense changes on protein structure and function are either unavailable or do not agree on the potential impact of this missense change (SIFT: "Deleterious"; PolyPhen-2: "Possibly Damaging"; Align-GVGD: "Class C0"). In summary, the available evidence is currently insufficient to determine the role of this variant in disease. Therefore, it has been classified as a Variant of Uncertain Significance.

Illumina Laboratory Services, Illumina
Classification: Uncertain significance for Rhizomelic chondrodysplasia punctata type 1. Last evaluated: 2018-01-12. Review status: criteria provided, single submitter. Criteria: ICSL Variant Classification Criteria 13 December 2019. Collection method: clinical testing. Allele origin: germline.

Illumina Laboratory Services, Illumina
Classification: Uncertain significance for Peroxisome biogenesis disorder 9B. Last evaluated: 2018-01-12. Review status: criteria provided, single submitter. Criteria: ICSL Variant Classification Criteria 13 December 2019. Collection method: clinical testing. Allele origin: germline.

NM_000288.4(PEX7):c.797C>T (p.Thr266Ile)

Gene: PEX7 (peroxisomal biogenesis factor 7; plus strand). Cytogenetic location: 6q23.3.
Variant type: single nucleotide variant.
Coding change: c.797C>T on transcript NM_000288.4 (MANE Select); coding-DNA position 797, C replaced by T.
Protein change: p.Thr266Ile; replaces threonine 266 with isoleucine.
Molecular consequence: missense variant.
Genome position (GRCh38, 1-based): chr6:136,872,247, C>T. VCF-style: chr6-136872247-C-T. GRCh37 (hg19) VCF-style: chr6-137193385-C-T.
Other names: short protein forms T266I.
Identifiers: ClinVar variation 904979 (VCV000904979.6), dbSNP rs1452611618, ClinGen allele CA365764489.